The following is an entry in ClinVar:

NM_022772.4(EPS8L2):c.1099G>A (p.Val367Ile)

Gene: EPS8L2 (EPS8 signaling adaptor L2; plus strand). Cytogenetic location: 11p15.5.
Variant type: single nucleotide variant.
Coding change: c.1099G>A on transcript NM_022772.4 (MANE Select); coding-DNA position 1099, G replaced by A.
Protein change: p.Val367Ile; replaces valine 367 with isoleucine.
Molecular consequence: missense variant.
Genome position (GRCh38, 1-based): chr11:722,440, G>A. VCF-style: chr11-722440-G-A. GRCh37 (hg19) VCF-style: chr11-722440-G-A.
Other names: c.1099G>A (NM_022772.3); short protein forms V367I.
Identifiers: ClinVar variation 2726680 (VCV002726680.2), dbSNP rs139076159, ClinGen allele CA5787503.

ClinVar aggregate classification (germline): Uncertain significance. Review status: criteria provided, multiple submitters, no conflicts (2 of 4 stars). 2 submissions from 2 submitters: Uncertain significance (2). Last evaluated 2025-08-24.

Allele frequency attached by ClinVar (database versions not stated): TOPMed 0.00006; gnomAD 0.00009; ExAC 0.00010; ESP Exome Variant Server 0.00031.
gnomAD v4.1: 99 of 1,613,264 alleles (0.0061%); highest among the groups gnomAD compares: South Asian, 0.057%; 2 homozygotes.

Submissions (2):

Ambry Genetics
Classification: Uncertain significance. Last evaluated: 2025-08-24. Review status: criteria provided, single submitter. Criteria: Ambry Variant Classification Scheme 2023. Collection method: clinical testing. Allele origin: germline.

Labcorp Genetics (formerly Invitae), Labcorp
Classification: Uncertain significance. Last evaluated: 2023-12-11. Review status: criteria provided, single submitter. Criteria: Invitae Variant Classification Sherloc (09022015). Collection method: clinical testing. Allele origin: germline.
Comment: This sequence change replaces valine, which is neutral and non-polar, with isoleucine, which is neutral and non-polar, at codon 367 of the EPS8L2 protein (p.Val367Ile). This variant is present in population databases (rs139076159, gnomAD 0.05%). This variant has not been reported in the literature in individuals affected with EPS8L2-related conditions. An algorithm developed to predict the effect of missense changes on protein structure and function (PolyPhen-2) suggests that this variant¬†is likely to be tolerated. In summary, the available evidence is currently insufficient to determine the role of this variant in disease. Therefore, it has been classified as a Variant of Uncertain Significance.